The following is an entry in ClinVar:

ClinVar aggregate classification (germline): Uncertain significance. Review status: criteria provided, multiple submitters, no conflicts (2 of 4 stars). 2 submissions from 2 submitters: Uncertain significance (2). Last evaluated 2025-11-23.

Conditions:
Hereditary cancer-predisposing syndrome. Also called: Neoplastic Syndromes, Hereditary; Tumor predisposition; Hereditary Cancer Syndrome; Hereditary neoplastic syndrome. Identifiers: Orphanet 140162, MedGen C0027672, MeSH D009386, MONDO:0015356.
Gastrointestinal stromal tumor. Also called: Gastrointestinal stromal tumor, somatic; Gastrointestinal stroma tumor. Identifiers: Orphanet 44890, MedGen C0238198, MeSH D046152, MONDO:0011719, OMIM 606764, HP:0100723.
Pheochromocytoma/paraganglioma syndrome 3. Also called: GLOMUS TUMORS, FAMILIAL, 3; Paragangliomas 3; SDHC-Related Hereditary Paraganglioma-Pheochromocytoma Syndrome (Paragangliomas 3); SDHC-Related Hereditary Paraganglioma-Pheochromocytoma Syndrome. Identifiers: Orphanet 29072, MedGen C1854336, MONDO:0011544, OMIM 605373.

Submissions (2):

Labcorp Genetics (formerly Invitae), Labcorp
Classification: Uncertain significance for Pheochromocytoma/paraganglioma syndrome 3; Gastrointestinal stromal tumor. Last evaluated: 2025-11-23. Review status: criteria provided, single submitter. Criteria: Invitae Variant Classification Sherloc (09022015). Collection method: clinical testing. Allele origin: germline.
Comment: This sequence change falls in intron 4 of the SDHC gene. It does not directly change the encoded amino acid sequence of the SDHC protein. It affects a nucleotide within the consensus splice site. Information on the frequency of this variant in the gnomAD database is not available, as this variant may be reported differently in the database. This variant has not been reported in the literature in individuals affected with SDHC-related conditions. ClinVar contains an entry for this variant (Variation ID: 3761399). Variants that disrupt the consensus splice site are a relatively common cause of aberrant splicing (PMID: 17576681, 9536098). In summary, the available evidence is currently insufficient to determine the role of this variant in disease. Therefore, it has been classified as a Variant of Uncertain Significance.

Ambry Genetics
Classification: Uncertain significance for Hereditary cancer-predisposing syndrome. Last evaluated: 2025-08-25. Review status: criteria provided, single submitter. Criteria: Ambry Variant Classification Scheme 2023. Collection method: clinical testing. Allele origin: germline.
Comment: The c.241+4_241+5delTGinsAT intronic variant begins 4 nucleotides after coding exon 4 in the SDHC gene. This variant results from a deletion of two nucleotides and the insertion of two nucleotides at nucleotide positions c.241+4 to c.241+5. This nucleotide region is well conserved in available vertebrate species. In silico splice site analysis predicts that this alteration will not have any significant effect on splicing. Based on the available evidence, the clinical significance of this variant remains unclear.

Literature cited by the submitters: PubMed 17576681 (cited by Labcorp Genetics (formerly Invitae), Labcorp); PubMed 9536098 (cited by Labcorp Genetics (formerly Invitae), Labcorp).

NM_003001.5(SDHC):c.241+4_241+5delinsAT

Gene: SDHC (succinate dehydrogenase complex subunit C; plus strand). Cytogenetic location: 1q23.3.
Variant type: Indel.
Coding change: c.241+4_241+5delinsAT on transcript NM_003001.5 (MANE Select); bases 4 to 5 of the intron after coding-DNA position 241, TG replaced by AT.
Molecular consequence: intron variant.
Genome position (GRCh38, 1-based): chr1:161,340,659-161,340,660, TG replaced by AT. VCF-style: chr1-161340659-TG-AT. GRCh37 (hg19) VCF-style: chr1-161310449-TG-AT.
Other names: c.241+4_241+5delTGinsAT (NM_003001.3); c.130+4_130+5delinsAT (NM_001407119.1, NM_001407120.1); c.361+4_361+5delinsAT (NM_001407115.1); c.241+4_241+5delinsAT (NM_001035511.3); c.139+4_139+5delinsAT (NM_001035512.3, NM_001278172.3); c.133+10_133+11delinsAT (NM_001407118.1); c.184+4_184+5delinsAT (NM_001407116.1, NM_001407121.1); c.178+10_178+11delinsAT (NM_001407117.1); and 1 more.
Identifiers: ClinVar variation 3761399 (VCV003761399.3).
Genomic context (GRCh38, chr1:161,340,659, plus strand): 5'-CTCTTCCCATGGCGATGTCCATCTGCCACCGTGGCACTGGTATTGCTTTGAGTGCAGGTA[TG>AT]TATATGTGTTTTTACACACACATATGTGCTTCTTTGAAAAACTTGGCTGTTTCATTGGCC-3'